The following is an entry in ClinVar:

NM_144701.3(IL23R):c.343T>G (p.Cys115Gly)

Gene: IL23R (interleukin 23 receptor; plus strand). Cytogenetic location: 1p31.3.
Variant type: single nucleotide variant.
Coding change: c.343T>G on transcript NM_144701.3 (MANE Select); coding-DNA position 343, T replaced by G.
Protein change: p.Cys115Gly; replaces cysteine 115 with glycine.
Molecular consequence: missense variant.
Genome position (GRCh38, 1-based): chr1:67,169,614, T>G. VCF-style: chr1-67169614-T-G. GRCh37 (hg19) VCF-style: chr1-67635297-T-G.
Other names: short protein forms C115G.
Identifiers: ClinVar variation 4707472 (VCV004707472.2).
Genomic context (GRCh38, chr1:67,169,614, plus strand): 5'-CCACATGCTTCTATGTACTGCACTGCTGAATGTCCCAAACATTTTCAAGAGACACTGATA[T>G]GTGGAAAAGACATTTCTTCTGGATGTAAGTGTTGGGGCACATTTGAAATGCAAACAAAAG-3'
Protein context (NP_653302.2, residues 105-125): CPKHFQETLI[Cys115Gly]GKDISSGYPP

ClinVar aggregate classification (germline): Uncertain significance. Review status: criteria provided, multiple submitters, no conflicts (2 of 4 stars). 2 submissions from 2 submitters: Uncertain significance (2). Last evaluated 2025-06-25.

gnomAD v4.1: 6 of 1,614,162 alleles (0.00037%); highest among the groups gnomAD compares: African/African-American, 0.0013%; no homozygotes.

Submissions (2):

Labcorp Genetics (formerly Invitae), Labcorp
Classification: Uncertain significance. Last evaluated: 2025-06-25. Review status: criteria provided, single submitter. Criteria: Invitae Variant Classification Sherloc (09022015). Collection method: clinical testing. Allele origin: germline.
Comment: This sequence change replaces cysteine, which is neutral and slightly polar, with glycine, which is neutral and non-polar, at codon 115 of the IL23R protein (p.Cys115Gly). This variant is present in population databases (no rsID available, gnomAD 0.0009%). This variant has not been reported in the literature in individuals affected with IL23R-related conditions. An algorithm developed to predict the effect of missense changes on protein structure and function (PolyPhen-2) suggests that this variant is likely to be disruptive. In summary, the available evidence is currently insufficient to determine the role of this variant in disease. Therefore, it has been classified as a Variant of Uncertain Significance.

Blueprint Genetics
Classification: Uncertain significance. Last evaluated: 2023-09-01. Review status: criteria provided, single submitter. Criteria: ACMG Guidelines, 2015. Collection method: clinical testing. Allele origin: germline.